The following is an entry in ClinVar:

NM_005027.4(PIK3R2):c.789G>A (p.Ser263=)

Genes: PIK3R2 (phosphoinositide-3-kinase regulatory subunit 2; plus strand), LOC130063979 (ATAC-STARR-seq lymphoblastoid silent region 10375; plus strand). Cytogenetic location: 19p13.11.
Variant type: single nucleotide variant.
Coding change: c.789G>A on transcript NM_005027.4 (MANE Select); coding-DNA position 789, G replaced by A.
Protein change: p.Ser263=; no amino-acid change (serine 263 retained).
Molecular consequence: synonymous variant. On other transcripts: non-coding transcript variant (1).
Genome position (GRCh38, 1-based): chr19:18,161,469, G>A. VCF-style: chr19-18161469-G-A. GRCh37 (hg19) VCF-style: chr19-18272279-G-A.
Identifiers: ClinVar variation 3342012 (VCV003342012.16).

ClinVar aggregate classification (germline): Likely benign (1 of 4 stars; one submission).

gnomAD v4.1: 1 of 1,189,416 alleles (0.000084%); highest among the groups gnomAD compares: Non-Finnish European, 0.0001%; no homozygotes.

Submission:

CeGaT Center for Human Genetics Tuebingen
Classification: Likely benign. Last evaluated: 2024-09-01. Review status: criteria provided, single submitter. Criteria: CeGaT Center For Human Genetics Tuebingen Variant Classification Criteria Version 2. Collection method: clinical testing. Allele origin: germline. Affected: yes. Observed: 1 variant allele.
Comment: PIK3R2: BP4, BP7